The following is an entry in ClinVar:

NM_007294.4(BRCA1):c.1924G>C (p.Asp642His)

Gene: BRCA1 (BRCA1 DNA repair associated; minus strand). Cytogenetic location: 17q21.31.
Variant type: single nucleotide variant.
Coding change: c.1924G>C on transcript NM_007294.4 (MANE Select); coding-DNA position 1924, G replaced by C.
Protein change: p.Asp642His; replaces aspartic acid 642 with histidine.
Molecular consequence: missense variant. On other transcripts: intron variant (137).
Genome position (GRCh38, 1-based): chr17:43,093,607, C>G on the plus strand (G>C on the coding strand, the complement: BRCA1 is on the minus strand). VCF-style: chr17-43093607-C-G. GRCh37 (hg19) VCF-style: chr17-41245624-C-G.
Other names: 2043G>C; c.646+1137G>C (NM_001408458.1, NM_001408469.1, NM_001408453.1 and 11 more transcripts); c.283+1137G>C (NM_001408512.1); c.406+1137G>C (NM_001408510.1); c.643+1137G>C (NM_001408470.1, NM_001408464.1, NM_001408468.1 and 3 more transcripts); c.784+1137G>C (NM_001408397.1, NM_001408401.1, NM_001408396.1 and 13 more transcripts); c.664+1137G>C (NM_001408436.1, NM_001408444.1, NM_001408438.1 and 12 more transcripts); c.787+1137G>C (NM_001407980.1, NM_001407993.1, NM_001407976.1 and 19 more transcripts); and 41 more; short protein forms D642H, D595H, D572H, D639H, D641H, D514H, D531H, D594H.
Identifiers: ClinVar variation 54401 (VCV000054401.27), dbSNP rs80357344, ClinGen allele CA001270.

ClinVar aggregate classification (germline): Benign. Review status: reviewed by expert panel (3 of 4 stars). 12 submissions from 12 submitters: Benign (1). 11 of the submissions do not count toward it. Last evaluated 2015-08-10.

Conditions:
Hereditary cancer-predisposing syndrome. Also called: Tumor predisposition; Neoplastic Syndromes, Hereditary; Hereditary Cancer Syndrome; Hereditary neoplastic syndrome. Identifiers: Orphanet 140162, MedGen C0027672, MeSH D009386, MONDO:0015356.
Hereditary breast ovarian cancer syndrome. Also called: Hereditary breast and ovarian cancer syndrome (HBOC); Hereditary breast and ovarian cancer syndrome; Hereditary breast and ovarian cancer; Hereditary breast and/or ovarian cancer syndrome; Breast and ovarian cancer; BRCA1- and BRCA2-Associated Hereditary Breast and Ovarian Cancer. Identifiers: Orphanet 145, MedGen C0677776, MeSH D061325, MONDO:0003582. Disease mechanism: loss of function.
Breast-ovarian cancer, familial, susceptibility to, 1 (BROVCA1). Also called: OVARIAN CANCER, SUSCEPTIBILITY TO; BRCA1 Hereditary Breast and Ovarian Cancer. Identifiers: Orphanet 145, MedGen C2676676, MONDO:0011450, OMIM 604370. Disease mechanism: loss of function.

Allele frequency attached by ClinVar (database versions not stated): gnomAD 0.00001; gnomAD exomes 0.00001; TOPMed 0.00001.
gnomAD v4.1: 15 of 1,613,906 alleles (0.00093%); highest among the groups gnomAD compares: Non-Finnish European, 0.001%; no homozygotes.

Submissions (12):

Evidence-based Network for the Interpretation of Germline Mutant Alleles (ENIGMA)
Classification: Benign for Breast-ovarian cancer, familial 1. Last evaluated: 2015-08-10. Review status: reviewed by expert panel. Criteria: ENIGMA BRCA1/2 Classification Criteria (2015). Collection method: curation. Allele origin: germline.
Comment: IARC class based on posterior probability from multifactorial likelihood analysis, thresholds for class as per Plon et al. 2008 (PMID: 18951446). Class 1 based on posterior probability = 0.000014

Labcorp Genetics (formerly Invitae), Labcorp
Classification: Likely benign for Hereditary breast ovarian cancer syndrome. Last evaluated: 2026-01-19. Review status: criteria provided, single submitter. Criteria: Invitae Variant Classification Sherloc (09022015). Collection method: clinical testing. Allele origin: germline. Not counted in ClinVar's aggregate classification.

Women's Health and Genetics/Laboratory Corporation of America, LabCorp
Classification: Likely benign. Last evaluated: 2024-12-13. Review status: criteria provided, single submitter. Criteria: LabCorp Variant Classification Summary - May 2015. Collection method: clinical testing. Allele origin: germline. Not counted in ClinVar's aggregate classification.
Comment: Variant summary: BRCA1 c.1924G>C (p.Asp642His) results in a non-conservative amino acid change in the encoded protein sequence. Four of five in-silico tools predict a damaging effect of the variant on protein function. The variant was absent in 251006 control chromosomes. The available data on variant occurrences in the general population are insufficient to allow any conclusion about variant significance. c.1924G>C has been reported in the literature as a VUS in individuals undergoing clinical genetic testing for breast cancer (example Judkins_2005). These report(s) do not provide unequivocal conclusions about association of the variant with Hereditary Breast And Ovarian Cancer Syndrome. Subsequently, studies utilizing multifactorial probability models have reported this variant with a neutral outcome based on a low posterior probability of pathogenicity (example, Lindor_2012). Additionally, an Expert Panel (ENIGMA) has classified this variant as benign. To our knowledge, no experimental evidence demonstrating an impact on protein function has been reported. The following publications have been ascertained in the context of this evaluation (PMID: 16267036, 21990134). ClinVar contains an entry for this variant (Variation ID: 54401). Based on the evidence outlined above, the variant was classified as likely benign.

All of Us Research Program, National Institutes of Health
Classification: Likely benign for Breast-ovarian cancer, familial, susceptibility to, 1. Last evaluated: 2023-08-15. Review status: criteria provided, single submitter. Criteria: ACMG Guidelines, 2015. Collection method: clinical testing. Allele origin: germline. Inheritance: Autosomal dominant inheritance. Observed: 1 variant allele, 1 heterozygote. Not counted in ClinVar's aggregate classification.
Comment: This study involves interpretation of variants in research participants for the purpose of population health screening. Participant phenotype was not available at the time of variant classification. Additional details can be found in publication PMID: 35346344, PMCID: PMC8962531

Sema4
Classification: Likely benign for Hereditary cancer-predisposing syndrome. Last evaluated: 2022-02-19. Review status: criteria provided, single submitter. Criteria: Sema4 Curation Guidelines. Collection method: curation. Allele origin: germline. Not counted in ClinVar's aggregate classification.

Genetic Services Laboratory, University of Chicago
Classification: Uncertain significance. Last evaluated: 2020-09-10. Review status: criteria provided, single submitter. Criteria: ACMG Guidelines, 2015. Collection method: clinical testing. Allele origin: germline. Affected: no. Not counted in ClinVar's aggregate classification.
Comment: DNA sequence analysis of the BRCA1 gene demonstrated a sequence change, c.1924G>C, in exon 10 that results in an amino acid change, p.Asp642His. This sequence change does not appear to have been previously described in patients with BRCA1-related disorders. This sequence change was absent in the gnomAD database (dbSNP rs80357344). The p.Asp642His change affects a moderately conserved amino acid residue located in the DNA binding domain of the BRCA1 protein. In-silico pathogenicity prediction tools (SIFT, PolyPhen2, Align GVGD, REVEL) provide contradictory results for the p.Asp642His substitution. Due to these contrasting evidences and the lack of functional studies, the clinical significance of the p.Asp642His change remains unknown at this time.

Quest Diagnostics Nichols Institute San Juan Capistrano
Classification: Likely benign. Last evaluated: 2018-11-03. Review status: criteria provided, single submitter. Criteria: Quest Diagnostics criteria. Collection method: clinical testing. Allele origin: germline. Not counted in ClinVar's aggregate classification.

Color Diagnostics, LLC DBA Color Health
Classification: Likely benign for Hereditary cancer-predisposing syndrome. Last evaluated: 2017-12-18. Review status: criteria provided, single submitter. Criteria: ACMG Guidelines, 2015. Collection method: clinical testing. Allele origin: germline. Not counted in ClinVar's aggregate classification.

PreventionGenetics, part of Exact Sciences
Classification: Likely benign. Last evaluated: 2017-07-06. Review status: criteria provided, single submitter. Criteria: ACMG Guidelines, 2015. Collection method: clinical testing. Allele origin: germline. Not counted in ClinVar's aggregate classification.

GeneDx
Classification: Likely benign. Last evaluated: 2015-07-07. Review status: criteria provided, single submitter. Criteria: GeneDx Variant Classification (06012015). Collection method: clinical testing. Allele origin: germline. Affected: yes. Not counted in ClinVar's aggregate classification.
Comment: This variant is considered likely benign or benign based on one or more of the following criteria: it is a conservative change, it occurs at a poorly conserved position in the protein, it is predicted to be benign by multiple in silico algorithms, and/or has population frequency not consistent with disease.

Ambry Genetics
Classification: Benign for Hereditary cancer-predisposing syndrome. Last evaluated: 2014-11-18. Review status: criteria provided, single submitter. Criteria: Ambry Variant Classification Scheme 2023. Collection method: clinical testing. Allele origin: germline. Not counted in ClinVar's aggregate classification.

Breast Cancer Information Core (BIC) (BRCA1)
Classification: Uncertain significance for Breast-ovarian cancer, familial 1. Last evaluated: 2002-05-29. Review status: no assertion criteria provided. Collection method: clinical testing. Allele origin: germline. Affected: yes. Observed: 4 variant alleles. Not counted in ClinVar's aggregate classification.

Literature cited by the submitters: PubMed 21990134 (cited by 4 submitters); PubMed 16267036 (cited by Women's Health and Genetics/Laboratory Corporation of America, LabCorp and Sema4); PubMed 17924331 (cited by Sema4 and Quest Diagnostics Nichols Institute San Juan Capistrano); PubMed 16518693 (cited by Quest Diagnostics Nichols Institute San Juan Capistrano); PubMed 22753008 (cited by Quest Diagnostics Nichols Institute San Juan Capistrano).